The following is an entry in ClinVar:

ClinVar aggregate classification (germline): Uncertain significance (1 of 4 stars; one submission).

Conditions:
Inborn genetic diseases. Identifiers: MedGen C0950123, MeSH D030342.

Submission:

Ambry Genetics
Classification: Uncertain significance for Inborn genetic diseases. Last evaluated: 2026-04-02. Review status: criteria provided, single submitter. Criteria: Ambry Variant Classification Scheme 2023. Collection method: clinical testing. Allele origin: germline.
Comment: The p.R1473L variant (also known as c.4418G>T), located in coding exon 1 of the SAMD9 gene, results from a G to T substitution at nucleotide position 4418. The arginine at codon 1473 is replaced by leucine, an amino acid with dissimilar properties. This amino acid position is conserved. In addition, this alteration is predicted to be tolerated by in silico analysis. Based on the available evidence, the clinical significance of this variant remains unclear.

NM_017654.4(SAMD9):c.4418G>T (p.Arg1473Leu)

Gene: SAMD9 (sterile alpha motif domain containing 9; minus strand). Cytogenetic location: 7q21.2.
Variant type: single nucleotide variant.
Coding change: c.4418G>T on transcript NM_017654.4 (MANE Select); coding-DNA position 4418, G replaced by T.
Protein change: p.Arg1473Leu; replaces arginine 1473 with leucine.
Molecular consequence: missense variant.
Genome position (GRCh38, 1-based): chr7:93,101,680, C>A on the plus strand (G>T on the coding strand, the complement: SAMD9 is on the minus strand). VCF-style: chr7-93101680-C-A. GRCh37 (hg19) VCF-style: chr7-92730993-C-A.
Other names: c.4418G>T, p.Arg1473Leu (NM_001193307.2); short protein forms R1473L.
Identifiers: ClinVar variation 4863791 (VCV004863791.1).